The following is an entry in ClinVar:

NM_013382.7(POMT2):c.1877C>T (p.Pro626Leu)

Gene: POMT2 (protein O-mannosyltransferase 2; minus strand). Cytogenetic location: 14q24.3.
Variant type: single nucleotide variant.
Coding change: c.1877C>T on transcript NM_013382.7 (MANE Select); coding-DNA position 1877, C replaced by T.
Protein change: p.Pro626Leu; replaces proline 626 with leucine.
Molecular consequence: missense variant.
Genome position (GRCh38, 1-based): chr14:77,279,837, G>A on the plus strand (C>T on the coding strand, the complement: POMT2 is on the minus strand). VCF-style: chr14-77279837-G-A. GRCh37 (hg19) VCF-style: chr14-77746180-G-A.
Other names: c.1877C>T (NM_013382.5); short protein forms P626L.
Identifiers: ClinVar variation 499678 (VCV000499678.11), dbSNP rs1262591820, ClinGen allele CA390514453.

ClinVar aggregate classification (germline): Uncertain significance. Review status: criteria provided, multiple submitters, no conflicts (2 of 4 stars). 3 submissions from 3 submitters: Uncertain significance (3). Last evaluated 2025-06-14.

Conditions:
Muscular dystrophy-dystroglycanopathy (congenital with brain and eye anomalies), type A2. Also called: MUSCULAR DYSTROPHY-DYSTROGLYCANOPATHY (CONGENITAL WITH BRAIN AND EYE ANOMALIES), TYPE A, 2; WALKER-WARBURG SYNDROME OR MUSCLE-EYE-BRAIN DISEASE, POMT2-RELATED. Identifiers: Orphanet 588, Orphanet 899, MedGen C3150411, MONDO:0013154, OMIM 613150.
Muscular dystrophy-dystroglycanopathy (congenital with impaired intellectual development), type B, 2. Also called: Muscular dystrophy-dystroglycanopathy (congenital with intellectual disability), type B2; MUSCULAR DYSTROPHY, CONGENITAL, POMT2-RELATED. Identifiers: MedGen C3150416, MONDO:0013160, OMIM 613156.
Autosomal recessive limb-girdle muscular dystrophy type 2N. Also called: Muscular dystrophy-dystroglycanopathy (limb-girdle), type C, 2; MUSCULAR DYSTROPHY-DYSTROGLYCANOPATHY, LIMB-GIRDLE, POMT2-RELATED. Identifiers: Orphanet 206559, MedGen C3150418, MONDO:0013162, OMIM 613158.

Allele frequency attached by ClinVar (database versions not stated): gnomAD exomes below 0.00001; gnomAD 0.00001; TOPMed below 0.00001.
gnomAD v4.1: 8 of 1,613,558 alleles (0.0005%); highest among the groups gnomAD compares: African/African-American, 0.0027%; no homozygotes.

Submissions (3):

Labcorp Genetics (formerly Invitae), Labcorp
Classification: Uncertain significance for Muscular dystrophy-dystroglycanopathy (congenital with impaired intellectual development), type B, 2; Muscular dystrophy-dystroglycanopathy (congenital with brain and eye anomalies), type A2; Autosomal recessive limb-girdle muscular dystrophy type 2N. Last evaluated: 2025-06-14. Review status: criteria provided, single submitter. Criteria: Invitae Variant Classification Sherloc (09022015). Collection method: clinical testing. Allele origin: germline.
Comment: This sequence change replaces proline, which is neutral and non-polar, with leucine, which is neutral and non-polar, at codon 626 of the POMT2 protein (p.Pro626Leu). This variant is present in population databases (no rsID available, gnomAD 0.0009%). This variant has not been reported in the literature in individuals affected with POMT2-related conditions. ClinVar contains an entry for this variant (Variation ID: 499678). Invitae Evidence Modeling of protein sequence and biophysical properties (such as structural, functional, and spatial information, amino acid conservation, physicochemical variation, residue mobility, and thermodynamic stability) indicates that this missense variant is not expected to disrupt POMT2 protein function with a negative predictive value of 95%. In summary, the available evidence is currently insufficient to determine the role of this variant in disease. Therefore, it has been classified as a Variant of Uncertain Significance.

Revvity Omics, Revvity
Classification: Uncertain significance. Last evaluated: 2019-10-07. Review status: criteria provided, single submitter. Criteria: ACMG Guidelines, 2015. Collection method: clinical testing. Allele origin: germline.

Eurofins Ntd Llc (ga)
Classification: Uncertain significance. Last evaluated: 2017-01-06. Review status: criteria provided, single submitter. Criteria: EGL Classification Definitions 2015. Collection method: clinical testing. Allele origin: germline. Observed: 1 variant allele, 1 heterozygote.